The following is an entry in ClinVar:

ClinVar aggregate classification (germline): Likely pathogenic (1 of 4 stars; one submission).

Conditions:
Primary dilated cardiomyopathy (DCM). Also called: Dilated Cardiomyopathy. Identifiers: Orphanet 217604, MedGen C0007193, MeSH D002311, MONDO:0005021, HP:0001644. Inheritance: Various modes of inheritance.

Submission:

Lildballe Lab, Aarhus University Hospital
Classification: Likely pathogenic for dilated cardiomyopathy. Last evaluated: 2024-03-01. Review status: criteria provided, single submitter. Criteria: ACMG Guidelines, 2015. Collection method: research. Allele origin: germline. Affected: yes.
Comment: PVS1(vs), PM2(sup)

Literature cited by the submitters: PubMed 25741931; PubMed 39481677.

NM_001267550.2(TTN):c.61769G>A (p.Trp20590Ter)

Genes: TTN (titin; minus strand), TTN-AS1 (TTN antisense RNA 1; plus strand). Cytogenetic location: 2q31.2.
Variant type: single nucleotide variant.
Coding change: c.61769G>A on transcript NM_001267550.2 (MANE Select); coding-DNA position 61769, G replaced by A.
Protein change: p.Trp20590Ter; replaces tryptophan 20590 with a stop codon.
Molecular consequence: nonsense.
Genome position (GRCh38, 1-based): chr2:178,589,956, C>T on the plus strand (G>A on the coding strand, the complement: TTN is on the minus strand). VCF-style: chr2-178589956-C-T. GRCh37 (hg19) VCF-style: chr2-179454683-C-T.
Other names: c.56846G>A, p.Trp18949Ter (NM_001256850.1); c.34574G>A, p.Trp11525Ter (NM_003319.4); c.54065G>A, p.Trp18022Ter (NM_133378.4); c.34949G>A, p.Trp11650Ter (NM_133432.3); c.35150G>A, p.Trp11717Ter (NM_133437.4); short protein forms W11525*, W11650*, W11717*, W18022*, W18949*, W20590*.
Identifiers: ClinVar variation 3338351 (VCV003338351.1).